The following is an entry in ClinVar:

NM_000554.6(CRX):c.*1671G>A

Gene: CRX (cone-rod homeobox; plus strand). Cytogenetic location: 19q13.33.
Variant type: single nucleotide variant.
Coding change: c.*1671G>A on transcript NM_000554.6 (MANE Select); 1671 bases downstream of the stop codon, G replaced by A.
Molecular consequence: 3 prime UTR variant.
Genome position (GRCh38, 1-based): chr19:47,841,638, G>A. VCF-style: chr19-47841638-G-A. GRCh37 (hg19) VCF-style: chr19-48344895-G-A.
Identifiers: ClinVar variation 329745 (VCV000329745.5), dbSNP rs550538685, ClinGen allele CA10648917.

ClinVar aggregate classification (germline): Benign/Likely benign. Review status: criteria provided, single submitter (1 of 4 stars). 3 submissions from 1 submitter: Benign (1); Likely benign (2). Last evaluated 2018-01-13.

Conditions:
Retinitis pigmentosa (RP). Identifiers: Orphanet 791, MedGen C0035334, MeSH D012174, MONDO:0019200, OMIM 268000. Inheritance: Autosomal dominant, autosomal recessive and X linked inheritance.
Leber congenital amaurosis 7 (LCA7). Identifiers: Orphanet 65, MedGen C3151192, MONDO:0013449, OMIM 613829.
Cone-rod dystrophy 2 (CORD2). Also called: CONE-ROD RETINAL DYSTROPHY; Cone-rod retinal dystrophy 2. Identifiers: Orphanet 1872, MedGen C3489532, MONDO:0007362, OMIM 120970.

Allele frequency attached by ClinVar (database versions not stated): 1000 Genomes Project 0.00220; TOPMed 0.00009; gnomAD 0.00010 and 0.00040; 1000 Genomes Project 30x 0.00203.

Submissions (3):

Illumina Laboratory Services, Illumina
Classification: Likely benign for Retinitis pigmentosa. Last evaluated: 2018-01-13. Review status: criteria provided, single submitter. Criteria: ICSL Variant Classification Criteria 13 December 2019. Collection method: clinical testing. Allele origin: germline.
Comment: This variant was observed in the ICSL laboratory as part of a predisposition screen in an ostensibly healthy population. It had not been previously curated by ICSL or reported in the Human Gene Mutation Database (HGMD: prior to June 1st, 2018), and was therefore a candidate for classification through an automated scoring system. Utilizing variant allele frequency, disease prevalence and penetrance estimates, and inheritance mode, an automated score was calculated to assess if this variant is too frequent to cause the disease. Based on the score and internal cut-off values, a variant classified as likely benign is not then subjected to further curation. The score for this variant resulted in a classification of likely benign for this disease.

Illumina Laboratory Services, Illumina
Classification: Benign for Cone-rod dystrophy 2. Last evaluated: 2018-01-13. Review status: criteria provided, single submitter. Criteria: ICSL Variant Classification Criteria 13 December 2019. Collection method: clinical testing. Allele origin: germline.
Comment: This variant was observed in the ICSL laboratory as part of a predisposition screen in an ostensibly healthy population. It had not been previously curated by ICSL or reported in the Human Gene Mutation Database (HGMD: prior to June 1st, 2018), and was therefore a candidate for classification through an automated scoring system. Utilizing variant allele frequency, disease prevalence and penetrance estimates, and inheritance mode, an automated score was calculated to assess if this variant is too frequent to cause the disease. Based on the score and internal cut-off values, a variant classified as benign is not then subjected to further curation. The score for this variant resulted in a classification of benign for this disease.

Illumina Laboratory Services, Illumina
Classification: Likely benign for Leber congenital amaurosis 7. Last evaluated: 2018-01-13. Review status: criteria provided, single submitter. Criteria: ICSL Variant Classification Criteria 13 December 2019. Collection method: clinical testing. Allele origin: germline.
Comment: the same text as in the submission from Illumina Laboratory Services, Illumina above.